The following is an entry in ClinVar:

ClinVar aggregate classification (germline): Uncertain significance (1 of 4 stars; one submission).

Allele frequency attached by ClinVar (database versions not stated): gnomAD exomes below 0.00001; gnomAD 0.00001.
gnomAD v4.1: 5 of 1,614,004 alleles (0.00031%); highest among the groups gnomAD compares: South Asian, 0.0011%; no homozygotes.

Submission:

Labcorp Genetics (formerly Invitae), Labcorp
Classification: Uncertain significance. Last evaluated: 2022-08-01. Review status: criteria provided, single submitter. Criteria: Invitae Variant Classification Sherloc (09022015). Collection method: clinical testing. Allele origin: germline.
Comment: In summary, the available evidence is currently insufficient to determine the role of this variant in disease. Therefore, it has been classified as a Variant of Uncertain Significance. Algorithms developed to predict the effect of missense changes on protein structure and function are either unavailable or do not agree on the potential impact of this missense change (SIFT: "Tolerated"; PolyPhen-2: "Possibly Damaging"; Align-GVGD: "Class C0"). This variant has not been reported in the literature in individuals affected with LEMD3-related conditions. This variant is present in population databases (no rsID available, gnomAD 0.01%). This sequence change replaces isoleucine, which is neutral and non-polar, with threonine, which is neutral and polar, at codon 737 of the LEMD3 protein (p.Ile737Thr).

NM_014319.5(LEMD3):c.2210T>C (p.Ile737Thr)

Gene: LEMD3 (LEM domain containing 3; plus strand). Cytogenetic location: 12q14.3.
Variant type: single nucleotide variant.
Coding change: c.2210T>C on transcript NM_014319.5 (MANE Select); coding-DNA position 2210, T replaced by C.
Protein change: p.Ile737Thr; replaces isoleucine 737 with threonine.
Molecular consequence: missense variant.
Genome position (GRCh38, 1-based): chr12:65,240,992, T>C. VCF-style: chr12-65240992-T-C. GRCh37 (hg19) VCF-style: chr12-65634772-T-C.
Other names: c.2207T>C, p.Ile736Thr (NM_001167614.2); short protein forms I737T, I736T.
Identifiers: ClinVar variation 2125209 (VCV002125209.4), dbSNP rs1485097510, ClinGen allele CA385672905.